The following is an entry in ClinVar:

NM_000089.4(COL1A2):c.1816A>G (p.Ile606Val)

Gene: COL1A2 (collagen type I alpha 2 chain; plus strand). Cytogenetic location: 7q21.3.
Variant type: single nucleotide variant.
Coding change: c.1816A>G on transcript NM_000089.4 (MANE Select); coding-DNA position 1816, A replaced by G.
Protein change: p.Ile606Val; replaces isoleucine 606 with valine.
Molecular consequence: missense variant.
Genome position (GRCh38, 1-based): chr7:94,416,456, A>G. VCF-style: chr7-94416456-A-G. GRCh37 (hg19) VCF-style: chr7-94045768-A-G.
Other names: short protein forms I606V.
Identifiers: ClinVar variation 2196593 (VCV002196593.4), dbSNP rs1294356433, ClinGen allele CA368222658.

ClinVar aggregate classification (germline): Uncertain significance (1 of 4 stars; one submission).

Conditions:
Ehlers-Danlos syndrome, classic type, 1 (EDSCL1). Also called: Ehlers-Danlos Syndrome, Classic Type, COL5A1-Related; EHLERS-DANLOS SYNDROME, GRAVIS TYPE; EHLERS-DANLOS SYNDROME, SEVERE CLASSIC TYPE; Ehlers-Danlos syndrome, type 1; EDS I. Identifiers: MedGen C0268335, MONDO:0019567, OMIM 130000.
Osteogenesis imperfecta type I (OI1). Also called: OI, TYPE I; OSTEOGENESIS IMPERFECTA TARDA; OSTEOGENESIS IMPERFECTA WITH BLUE SCLERAE; Osteogenesis imperfecta type 1; Classic Non-deforming Osteogenesis Imperfecta with Blue Sclerae; Lobstein's Disease. Identifiers: Orphanet 216796, Orphanet 666, MedGen C0023931, MONDO:0008146, OMIM 166200. Disease mechanism: loss of function.

Allele frequency attached by ClinVar (database versions not stated): gnomAD exomes below 0.00001.
gnomAD v4.1: 2 of 1,587,554 alleles (0.00013%); highest among the groups gnomAD compares: Non-Finnish European, 0.000086%; no homozygotes.

Submission:

Labcorp Genetics (formerly Invitae), Labcorp
Classification: Uncertain significance for Osteogenesis imperfecta type I; Ehlers-Danlos syndrome, classic type, 1. Last evaluated: 2025-02-03. Review status: criteria provided, single submitter. Criteria: Invitae Variant Classification Sherloc (09022015). Collection method: clinical testing. Allele origin: germline.
Comment: This sequence change replaces isoleucine, which is neutral and non-polar, with valine, which is neutral and non-polar, at codon 606 of the COL1A2 protein (p.Ile606Val). The frequency data for this variant in the population databases is considered unreliable, as metrics indicate poor data quality at this position in the gnomAD database. This variant has not been reported in the literature in individuals affected with COL1A2-related conditions. ClinVar contains an entry for this variant (Variation ID: 2196593). Invitae Evidence Modeling of protein sequence and biophysical properties (such as structural, functional, and spatial information, amino acid conservation, physicochemical variation, residue mobility, and thermodynamic stability) indicates that this missense variant is not expected to disrupt COL1A2 protein function with a negative predictive value of 95%. In summary, the available evidence is currently insufficient to determine the role of this variant in disease. Therefore, it has been classified as a Variant of Uncertain Significance.